The following is an entry in ClinVar:

NM_000407.5(GP1BB):c.536_545del (p.Arg179fs)

Genes: GP1BB (glycoprotein Ib platelet subunit beta; plus strand), SEPT5-GP1BB (SEPT5-GP1BB readthrough; plus strand). Cytogenetic location: 22q11.21.
Variant type: Deletion.
Coding change: c.536_545del on transcript NM_000407.5 (MANE Select); coding-DNA positions 536 to 545, 10 bases deleted (GGGCCCGGGC; older notation c.536_545delGGGCCCGGGC).
Protein change: p.Arg179fs; shifts the reading frame from arginine 179.
Molecular consequence: frameshift variant. On other transcripts: non-coding transcript variant (2).
Genome position (GRCh38, 1-based): chr22:19,724,379-19,724,388, GGGCCCGGGC deleted; deleting any 10 consecutive bases within chr22:19,724,377-19,724,388 gives the same sequence; the c. name uses the placement nearest the transcript's 3' end. VCF-style (leftmost placement, unchanged base first): chr22-19724376-TGCGGGCCCGG-T. GRCh37 (hg19) VCF-style: chr22-19711899-TGCGGGCCCGG-T.
Other names: short protein forms R179fs.
Identifiers: ClinVar variation 2572096 (VCV002572096.1), dbSNP rs2517805750, ClinGen allele CA2580615245.

ClinVar aggregate classification (germline): Likely pathogenic (1 of 4 stars; one submission).

Conditions:
Bernard Soulier syndrome (BSS). Also called: GLYCOPROTEIN Ib, PLATELET, DEFICIENCY OF; PLATELET GLYCOPROTEIN Ib DEFICIENCY; VON WILLEBRAND FACTOR RECEPTOR DEFICIENCY; Giant platelet syndrome; Hemorrhagiparous thrombocytic dystrophy; Giant platelet disease. Identifiers: Orphanet 274, MedGen C0005129, MeSH D001606, MONDO:0009276, OMIM 231200.

Submission:

ISTH-SSC Genomics in Thrombosis and Hemostasis, KU Leuven, Center for Molecular and Vascular Biology
Classification: Likely pathogenic for Bernard Soulier syndrome. Review status: criteria provided, single submitter. Criteria: ACMG Guidelines, 2015. Collection method: clinical testing. Allele origin: germline. Affected: yes. Observed: 1 heterozygote.
Comment: Submitted to the GoldVariant database by Kathleen Freson, Center for Molecular and Vascular Biology